The following is an entry in ClinVar:

ClinVar aggregate classification (germline): Benign/Likely benign. Review status: criteria provided, multiple submitters, no conflicts (2 of 4 stars). 14 submissions from 14 submitters: Benign (6); Likely benign (4). 4 of the submissions do not count toward it. Last evaluated 2026-09-01.

Conditions:
Merosin deficient congenital muscular dystrophy (MDC1A). Also called: Congenital merosin-deficient muscular dystrophy 1A; Congenital Muscular Dystrophy Type 1A (MDC1A). Identifiers: Orphanet 258, MedGen C1263858, MONDO:0011925, OMIM 607855.
Muscular dystrophy, limb-girdle, autosomal recessive 23. Identifiers: Orphanet 565837, MedGen C4748327, MONDO:0029136, OMIM 618138.
LAMA2-related muscular dystrophy (LAMA2-RD). Also called: Laminin alpha 2-related dystrophy. Identifiers: MedGen C5679788, MONDO:0100228.
Congenital muscular dystrophy due to partial LAMA2 deficiency. Identifiers: MedGen C1842898.

Allele frequency attached by ClinVar (database versions not stated): 1000 Genomes Project 30x 0.00312; 1000 Genomes Project 0.00359; gnomAD 0.00831 and 0.00865; TOPMed 0.00844; gnomAD exomes 0.00857 and 0.01206; ExAC 0.00879; ESP Exome Variant Server 0.00923.
gnomAD v4.1: 18,904 of 1,612,462 alleles (1.2%); highest among the groups gnomAD compares: Non-Finnish European, 1.4%; 148 homozygotes.

Submissions (14):

CeGaT Center for Human Genetics Tuebingen
Classification: Benign. Last evaluated: 2026-09-01. Review status: criteria provided, single submitter. Criteria: CeGaT Center For Human Genetics Tuebingen Variant Classification Criteria Version 2. Collection method: clinical testing. Allele origin: germline. Affected: yes. Observed: 38 variant alleles.
Comment: LAMA2: BS1, BS2

Labcorp Genetics (formerly Invitae), Labcorp
Classification: Benign for LAMA2-related muscular dystrophy. Last evaluated: 2026-02-04. Review status: criteria provided, single submitter. Criteria: Invitae Variant Classification Sherloc (09022015). Collection method: clinical testing. Allele origin: germline.

Blueprint Genetics
Classification: Likely benign. Last evaluated: 2024-11-21. Review status: criteria provided, single submitter. Criteria: ACMG Guidelines, 2015. Collection method: clinical testing. Allele origin: germline.

Fulgent Genetics
Classification: Likely benign for Merosin deficient congenital muscular dystrophy; Muscular dystrophy, limb-girdle, autosomal recessive 23. Last evaluated: 2021-07-08. Review status: criteria provided, single submitter. Criteria: ACMG Guidelines, 2015. Collection method: clinical testing. Allele origin: unknown.

Mayo Clinic Laboratories, Mayo Clinic
Classification: Benign. Last evaluated: 2019-09-05. Review status: criteria provided, single submitter. Criteria: ACMG Guidelines, 2015. Collection method: clinical testing. Allele origin: germline. Observed: 85 variant alleles.

Illumina Laboratory Services, Illumina
Classification: Likely benign for Congenital muscular dystrophy due to partial LAMA2 deficiency. Last evaluated: 2018-01-12. Review status: criteria provided, single submitter. Criteria: ICSL Variant Classification Criteria 13 December 2019. Collection method: clinical testing. Allele origin: germline.
Comment: This variant was observed in the ICSL laboratory as part of a predisposition screen in an ostensibly healthy population. It had not been previously curated by ICSL or reported in the Human Gene Mutation Database (HGMD: prior to June 1st, 2018), and was therefore a candidate for classification through an automated scoring system. Utilizing variant allele frequency, disease prevalence and penetrance estimates, and inheritance mode, an automated score was calculated to assess if this variant is too frequent to cause the disease. Based on the score and internal cut-off values, a variant classified as likely benign is not then subjected to further curation. The score for this variant resulted in a classification of likely benign for this disease.

Athena Diagnostics
Classification: Benign. Last evaluated: 2017-12-19. Review status: criteria provided, single submitter. Criteria: Athena Diagnostics Criteria. Collection method: clinical testing. Allele origin: germline.

GeneDx
Classification: Benign. Last evaluated: 2016-03-04. Review status: criteria provided, single submitter. Criteria: GeneDx Variant Classification (06012015). Collection method: clinical testing. Allele origin: germline. Affected: yes.
Comment: This variant is considered likely benign or benign based on one or more of the following criteria: it is a conservative change, it occurs at a poorly conserved position in the protein, it is predicted to be benign by multiple in silico algorithms, and/or has population frequency not consistent with disease.

Eurofins Ntd Llc (ga)
Classification: Benign. Last evaluated: 2012-11-05. Review status: criteria provided, single submitter. Criteria: EGL Classification Definitions 2015. Collection method: clinical testing. Allele origin: germline. Observed: 3 variant alleles, 3 heterozygotes.

PreventionGenetics, part of Exact Sciences
Classification: Likely benign. Review status: criteria provided, single submitter. Criteria: ACMG Guidelines, 2015. Collection method: clinical testing. Allele origin: germline.

Clinical Genetics, Academic Medical Center
Classification: Benign. Review status: no assertion criteria provided. Collection method: clinical testing. Allele origin: germline. Affected: yes. Study: VKGL Data-share Consensus. Not counted in ClinVar's aggregate classification.

Genetic Services Laboratory, University of Chicago
Classification: Likely benign for AllHighlyPenetrant. Review status: no assertion criteria provided. Collection method: clinical testing. Allele origin: germline. Inheritance: Autosomal recessive inheritance. Not counted in ClinVar's aggregate classification.
Comment: Likely benign based on allele frequency in 1000 Genomes Project or ESP global frequency and its presence in a patient with a rare or unrelated disease phenotype. NOT Sanger confirmed.

Joint Genome Diagnostic Labs from Nijmegen and Maastricht, Radboudumc and MUMC+
Classification: Benign. Review status: no assertion criteria provided. Collection method: clinical testing. Allele origin: germline. Affected: yes. Study: VKGL Data-share Consensus. Not counted in ClinVar's aggregate classification.

Laboratory of Diagnostic Genome Analysis, Leiden University Medical Center (LUMC)
Classification: Likely benign. Review status: no assertion criteria provided. Collection method: clinical testing. Allele origin: germline. Affected: yes. Study: VKGL Data-share Consensus. Not counted in ClinVar's aggregate classification.

NM_000426.4(LAMA2):c.8548-10T>C

Gene: LAMA2 (laminin subunit alpha 2; plus strand). Cytogenetic location: 6q22.33.
Variant type: single nucleotide variant.
Coding change: c.8548-10T>C on transcript NM_000426.4 (MANE Select); 10 bases into the intron before coding-DNA position 8548, T replaced by C.
Molecular consequence: intron variant.
Genome position (GRCh38, 1-based): chr6:129,505,190, T>C. VCF-style: chr6-129505190-T-C. GRCh37 (hg19) VCF-style: chr6-129826335-T-C.
Other names: p.?; c.8536-10T>C (NM_001079823.2).
Identifiers: ClinVar variation 92991 (VCV000092991.62), dbSNP rs113644365, ClinGen allele CA146160.